The following is an entry in ClinVar:

NM_145038.5(DRC1):c.137G>T (p.Arg46Leu)

Gene: DRC1 (dynein regulatory complex subunit 1; plus strand). Cytogenetic location: 2p23.3.
Variant type: single nucleotide variant.
Coding change: c.137G>T on transcript NM_145038.5 (MANE Select); coding-DNA position 137, G replaced by T.
Protein change: p.Arg46Leu; replaces arginine 46 with leucine.
Molecular consequence: missense variant.
Genome position (GRCh38, 1-based): chr2:26,402,126, G>T. VCF-style: chr2-26402126-G-T. GRCh37 (hg19) VCF-style: chr2-26624994-G-T.
Other names: c.137G>T (NM_145038.2); short protein forms R46L.
Identifiers: ClinVar variation 1038918 (VCV001038918.10), dbSNP rs745457802, ClinGen allele CA346126627.

ClinVar aggregate classification (germline): Uncertain significance. Review status: criteria provided, multiple submitters, no conflicts (2 of 4 stars). 2 submissions from 2 submitters: Uncertain significance (2). Last evaluated 2024-04-23.

Conditions:
Inborn genetic diseases. Identifiers: MedGen C0950123, MeSH D030342.
Primary ciliary dyskinesia. Also called: Ciliary dyskinesia. Identifiers: Orphanet 244, MedGen C0008780, MONDO:0016575, HP:0012265.

Allele frequency attached by ClinVar (database versions not stated): gnomAD 0.00001; TOPMed 0.00002.
gnomAD v4.1: 7 of 1,609,622 alleles (0.00043%); highest among the groups gnomAD compares: Non-Finnish European, 0.00059%; no homozygotes.

Submissions (2):

Ambry Genetics
Classification: Uncertain significance for Inborn genetic diseases. Last evaluated: 2024-04-23. Review status: criteria provided, single submitter. Criteria: Ambry Variant Classification Scheme 2023. Collection method: clinical testing. Allele origin: germline.

Labcorp Genetics (formerly Invitae), Labcorp
Classification: Uncertain significance for Primary ciliary dyskinesia. Last evaluated: 2020-08-06. Review status: criteria provided, single submitter. Criteria: Invitae Variant Classification Sherloc (09022015). Collection method: clinical testing. Allele origin: germline.
Comment: This variant is not present in population databases (ExAC no frequency). This variant has not been reported in the literature in individuals with DRC1-related conditions. Algorithms developed to predict the effect of missense changes on protein structure and function are either unavailable or do not agree on the potential impact of this missense change (SIFT: "Deleterious"; PolyPhen-2: "Not Available"; Align-GVGD: "Class C0"). In summary, the available evidence is currently insufficient to determine the role of this variant in disease. Therefore, it has been classified as a Variant of Uncertain Significance. This sequence change replaces arginine with leucine at codon 46 of the DRC1 protein (p.Arg46Leu). The arginine residue is highly conserved and there is a moderate physicochemical difference between arginine and leucine.